The following is an entry in ClinVar:

NC_000004.11:g.(?_5709993)_(5710240_?)del

Gene: EVC2 (EvC ciliary complex subunit 2; minus strand). Cytogenetic location: 4p16.2.
Variant type: Deletion.
Identifiers: ClinVar variation 3246620 (VCV003246620.1).

ClinVar aggregate classification (germline): Pathogenic (1 of 4 stars; one submission).

Conditions:
Ellis-van Creveld syndrome (EVC). Also called: MESOECTODERMAL DYSPLASIA; Chondroectodermal dysplasia; EVC-Related Ellis-van Creveld Syndrome; EVC2-Related Ellis-van Creveld Syndrome. Identifiers: Orphanet 289, MedGen C0013903, MONDO:0009162, OMIM 225500.
Curry-Hall syndrome (WAD). Also called: WEYERS ACRODENTAL DYSOSTOSIS. Identifiers: Orphanet 952, MedGen C0457013, MONDO:0008673, OMIM 193530.

Submission:

Labcorp Genetics (formerly Invitae), Labcorp
Classification: Pathogenic for Curry-Hall syndrome; Ellis-van Creveld syndrome. Last evaluated: 2023-10-25. Review status: criteria provided, single submitter. Criteria: Invitae Variant Classification Sherloc (09022015). Collection method: clinical testing. Allele origin: unknown.
Comment: This variant is a gross deletion of the genomic region encompassing exon(s) 1 of the EVC2 gene, which includes the initiator codon. This deletion extends beyond the assayed region for this gene and therefore may encompass additional genes. It is expected to result in an absent or disrupted protein product. Loss-of-function variants in EVC2 are known to be pathogenic (PMID: 17024374, 19810119, 19876929). This variant has not been reported in the literature in individuals affected with EVC2-related conditions. For these reasons, this variant has been classified as Pathogenic.

Literature cited by the submitters: PubMed 17024374; PubMed 19810119; PubMed 19876929.